The following is an entry in ClinVar:

NM_001759.4(CCND2):c.-36G>T

Genes: CCND2 (cyclin D2; plus strand), CCND2-AS1 (CCND2 antisense RNA 1; minus strand). Cytogenetic location: 12p13.32.
Variant type: single nucleotide variant.
Coding change: c.-36G>T on transcript NM_001759.4 (MANE Select); 36 bases upstream of the start codon, G replaced by T.
Molecular consequence: 5 prime UTR variant.
Genome position (GRCh38, 1-based): chr12:4,274,005, G>T. VCF-style: chr12-4274005-G-T. GRCh37 (hg19) VCF-style: chr12-4383171-G-T.
Identifiers: ClinVar variation 507367 (VCV000507367.2), dbSNP rs3217787, ClinGen allele CA6395123.
Genomic context (GRCh38, chr12:4,274,005, plus strand): 5'-GGGGAACGCTCTCCCCTCCCCTTCCAAAAAACAAAAACAGAAAAACCTTTTTCCAGGCCG[G>T]GGAAAGCAGGAGGGAGAGGGGCCGCCGGGCTGGCCATGGAGCTGCTGTGCCACGAGGTGG-3'

ClinVar aggregate classification (germline): Benign. Review status: criteria provided, multiple submitters, no conflicts (2 of 4 stars). 2 submissions from 2 submitters: Benign (2). Last evaluated 2017-06-05.

Allele frequency attached by ClinVar (database versions not stated): ExAC 0.00164; 1000 Genomes Project 0.00319; gnomAD 0.00325; 1000 Genomes Project 30x 0.00359; TOPMed 0.00374; ESP Exome Variant Server 0.00510.
gnomAD v4.1: 1,479 of 1,592,612 alleles (0.093%); highest among the groups gnomAD compares: African/African-American, 1.1%; 2 homozygotes.

Submissions (2):

GeneDx
Classification: Benign. Last evaluated: 2017-06-05. Review status: criteria provided, single submitter. Criteria: GeneDx Variant Classification (06012015). Collection method: clinical testing. Allele origin: germline. Affected: yes.
Comment: This variant is considered likely benign or benign based on one or more of the following criteria: it is a conservative change, it occurs at a poorly conserved position in the protein, it is predicted to be benign by multiple in silico algorithms, and/or has population frequency not consistent with disease.

Breakthrough Genomics
Classification: Benign. Review status: criteria provided, single submitter. Criteria: ACMG Guidelines, 2015. Collection method: not provided. Allele origin: germline. Inheritance: Autosomal dominant inheritance. Affected: yes.